The following is an entry in ClinVar:

NM_001278716.2(FBXL4):c.1389+11G>A

Gene: FBXL4 (F-box and leucine rich repeat protein 4; minus strand). Cytogenetic location: 6q16.1.
Variant type: single nucleotide variant.
Coding change: c.1389+11G>A on transcript NM_001278716.2 (MANE Select); 11 bases into the intron after coding-DNA position 1389, G replaced by A.
Molecular consequence: intron variant.
Genome position (GRCh38, 1-based): chr6:98,880,542, C>T on the plus strand (G>A on the coding strand, the complement: FBXL4 is on the minus strand). VCF-style: chr6-98880542-C-T. GRCh37 (hg19) VCF-style: chr6-99328418-C-T.
Other names: c.1389+11G>A (NM_012160.5).
Identifiers: ClinVar variation 1032550 (VCV001032550.5), dbSNP rs1770815162, ClinGen allele CA16021093.

ClinVar aggregate classification (germline): Conflicting classifications of pathogenicity. Review status: criteria provided, conflicting classifications (1 of 4 stars). 2 submissions from 2 submitters: Uncertain significance (1); Likely benign (1). Last evaluated 2024-10-14.

Conditions:
Mitochondrial DNA depletion syndrome 13. Also called: Mitochondrial DNA depletion syndrome 13 (encephalomyopathic type); FBXL4-Related Encephalomyopathic Mitochondrial DNA Depletion Syndrome. Identifiers: Orphanet 369897, MedGen C3809592, MONDO:0014198, OMIM 615471.

Allele frequency attached by ClinVar (database versions not stated): gnomAD exomes below 0.00001.

Submissions (2):

Labcorp Genetics (formerly Invitae), Labcorp
Classification: Likely benign. Last evaluated: 2024-10-14. Review status: criteria provided, single submitter. Criteria: Invitae Variant Classification Sherloc (09022015). Collection method: clinical testing. Allele origin: germline.

Baylor Genetics
Classification: Uncertain significance for Mitochondrial DNA depletion syndrome 13. Last evaluated: 2018-06-28. Review status: criteria provided, single submitter. Criteria: ACMG Guidelines, 2015. Collection method: clinical testing. Allele origin: paternal. Affected: yes.
Comment: This variant was determined to be of uncertain significance according to ACMG Guidelines, 2015 [PMID:25741868].